The following is an entry in ClinVar:

NM_003126.4(SPTA1):c.1007C>T (p.Ser336Leu)

Gene: SPTA1 (spectrin alpha, erythrocytic 1; minus strand). Cytogenetic location: 1q23.1.
Variant type: single nucleotide variant.
Coding change: c.1007C>T on transcript NM_003126.4 (MANE Select); coding-DNA position 1007, C replaced by T.
Protein change: p.Ser336Leu; replaces serine 336 with leucine.
Molecular consequence: missense variant.
Genome position (GRCh38, 1-based): chr1:158,676,246, G>A on the plus strand (C>T on the coding strand, the complement: SPTA1 is on the minus strand). VCF-style: chr1-158676246-G-A. GRCh37 (hg19) VCF-style: chr1-158646036-G-A.
Other names: short protein forms S336L.
Identifiers: ClinVar variation 1687198 (VCV001687198.1), dbSNP rs2101929378, ClinGen allele CA343017965.

ClinVar aggregate classification (germline): Uncertain significance (1 of 4 stars; one submission).

Conditions:
Hereditary spherocytosis type 3. Also called: SPTA1-Related Spherocytosis; Spherocytosis type 3. Identifiers: Orphanet 822, MedGen C2678338, MONDO:0010053, OMIM 270970.

Allele frequency attached by ClinVar (database versions not stated): gnomAD exomes below 0.00001.
gnomAD v4.1: 1 of 1,613,764 alleles (0.000062%); highest among the groups gnomAD compares: Non-Finnish European, 0.000085%; no homozygotes.

Submission:

3billion
Classification: Uncertain significance for Hereditary spherocytosis type 3. Last evaluated: 2022-05-22. Review status: criteria provided, single submitter. Criteria: ACMG Guidelines, 2015. Collection method: clinical testing. Allele origin: germline. Affected: yes. Observed: 1 heterozygote.
Comment: The variant is not observed in the gnomAD v2.1.1 dataset. In silico tool predictions suggest no damaging effect of the variant on gene or gene product (REVEL: 0.11; 3Cnet: 0.01). Therefore, this variant is classified as uncertain significanceaccording to the recommendation of ACMG/AMP guideline.